The following is an entry in ClinVar:

NM_001267550.2(TTN):c.56631del (p.Ala18878fs)

Genes: TTN (titin; minus strand), TTN-AS1 (TTN antisense RNA 1; plus strand). Cytogenetic location: 2q31.2.
Variant type: Deletion.
Coding change: c.56631del on transcript NM_001267550.2 (MANE Select); coding-DNA position 56631, one base deleted (A; older notation c.56631delA).
Protein change: p.Ala18878fs; shifts the reading frame from alanine 18878.
Molecular consequence: frameshift variant.
Genome position (GRCh38, 1-based): chr2:178,599,162, T deleted on the plus strand (A on the coding strand, the reverse complement: TTN is on the minus strand). VCF-style (leftmost placement, unchanged base first): chr2-178599161-CT-C. GRCh37 (hg19) VCF-style: chr2-179463888-CT-C.
Other names: c.51708del, p.Ala17237fs (NM_001256850.1); c.29436del, p.Ala9813fs (NM_003319.4); c.48927del, p.Ala16310fs (NM_133378.4); c.29811del, p.Ala9938fs (NM_133432.3); c.30012del, p.Ala10005fs (NM_133437.4); short protein forms A10005fs, A16310fs, A17237fs, A18878fs, A9813fs, A9938fs.
Identifiers: ClinVar variation 5019898 (VCV005019898.2).

ClinVar aggregate classification (germline): Uncertain significance (1 of 4 stars; one submission).

Conditions:
Early-onset myopathy with fatal cardiomyopathy (CMYO5). Also called: Salih Myopathy; CONGENITAL MYOPATHY 5 WITH CARDIOMYOPATHY. Identifiers: Orphanet 289377, MedGen C2673677, MONDO:0012714, OMIM 611705. Disease mechanism: loss of function.
Hypertrophic cardiomyopathy 9. Also called: Familial hypertrophic cardiomyopathy 9. Identifiers: MedGen C1861065, MONDO:0013412, OMIM 613765.
Autosomal recessive limb-girdle muscular dystrophy type 2J (LGMDR10). Also called: Limb-girdle muscular dystrophy, type 2J; MUSCULAR DYSTROPHY, LIMB-GIRDLE, AUTOSOMAL RECESSIVE 10. Identifiers: Orphanet 140922, MedGen C1837342, MONDO:0012127, OMIM 608807.
Dilated cardiomyopathy 1G (CMD1G). Identifiers: Orphanet 154, MedGen C1858763, MONDO:0011400, OMIM 604145.
Tibial muscular dystrophy (TMD). Also called: UDD MYOPATHY; Udd Distal Myopathy – Tibial Muscular Dystrophy; Tibial muscular dystrophy, tardive. Identifiers: Orphanet 609, MedGen C1838244, MONDO:0010870, OMIM 600334.
Myopathy, myofibrillar, 9, with early respiratory failure (MFM9). Also called: MYOPATHY, PROXIMAL, WITH EARLY RESPIRATORY MUSCLE INVOLVEMENT; EDSTROM MYOPATHY; Hereditary myopathy with early respiratory failure; Myopathy, distal, with early respiratory failure, autosomal dominant. Identifiers: Orphanet 178464, Orphanet 34521, MedGen C1863599, MONDO:0011362, OMIM 603689.

Submission:

Juno Genomics, Hangzhou Juno Genomics, Inc
Classification: Uncertain significance for Hypertrophic cardiomyopathy 9; Dilated cardiomyopathy 1G; Early-onset myopathy with fatal cardiomyopathy; Autosomal recessive limb-girdle muscular dystrophy type 2J; Myopathy, myofibrillar, 9, with early respiratory failure; Tibial muscular dystrophy. Review status: criteria provided, single submitter. Criteria: ACMG Guidelines, 2015. Collection method: clinical testing. Allele origin: germline.
Comment: Absent from controls (or at extremely low frequency if recessive) in Genome Aggregation Database.;Null variant in a gene where loss of function (LOF) is a known mechanism of disease.